The following is an entry in ClinVar:

NM_000083.3(CLCN1):c.1616_1617del (p.Thr539fs)

Gene: CLCN1 (chloride voltage-gated channel 1; plus strand). Cytogenetic location: 7q34.
Variant type: Microsatellite.
Coding change: c.1616_1617del on transcript NM_000083.3 (MANE Select); coding-DNA positions 1616 to 1617, 2 bases deleted (CA; older notation c.1616_1617delCA).
Protein change: p.Thr539fs; shifts the reading frame from threonine 539.
Molecular consequence: frameshift variant. On other transcripts: non-coding transcript variant (1).
Genome position (GRCh38, 1-based): chr7:143,341,962-143,341,963, CA deleted; deleting any 2 consecutive bases within chr7:143,341,958-143,341,963 gives the same sequence; the c. name uses the placement nearest the transcript's 3' end. VCF-style (leftmost placement, unchanged base first): chr7-143341957-CCA-C. GRCh37 (hg19) VCF-style: chr7-143039050-CCA-C.
Other names: short protein forms T539fs.
Identifiers: ClinVar variation 447055 (VCV000447055.9), dbSNP rs1554438432, ClinGen allele CA658657730.

ClinVar aggregate classification (germline): Pathogenic/Likely pathogenic. Review status: criteria provided, multiple submitters, no conflicts (2 of 4 stars). 2 submissions from 2 submitters: Pathogenic (1); Likely pathogenic (1). Last evaluated 2025-07-23.

Conditions:
Congenital myotonia, autosomal recessive form. Also called: myotonia congenita, autosomal recessive; BECKER DISEASE; Becker Generalized Myotonia. Identifiers: Orphanet 614, MedGen C0751360, MONDO:0009715, OMIM 255700.
Congenital myotonia, autosomal dominant form (THD). Also called: THOMSEN DISEASE; Myotonia congenita autosomal dominant. Identifiers: Orphanet 614, MedGen C2936781, MONDO:0008055, OMIM 160800.

Submissions (2):

Labcorp Genetics (formerly Invitae), Labcorp
Classification: Pathogenic for Congenital myotonia, autosomal recessive form; Congenital myotonia, autosomal dominant form. Last evaluated: 2025-07-23. Review status: criteria provided, single submitter. Criteria: Invitae Variant Classification Sherloc (09022015). Collection method: clinical testing. Allele origin: germline.
Comment: This sequence change creates a premature translational stop signal (p.Thr539Serfs*40) in the CLCN1 gene. It is expected to result in an absent or disrupted protein product. Loss-of-function variants in CLCN1 are known to be pathogenic (PMID: 17932099, 22094069, 23739125). This variant is not present in population databases (gnomAD no frequency). This variant has not been reported in the literature in individuals affected with CLCN1-related conditions. ClinVar contains an entry for this variant (Variation ID: 447055). For these reasons, this variant has been classified as Pathogenic.

Athena Diagnostics
Classification: Likely pathogenic. Last evaluated: 2017-10-26. Review status: criteria provided, single submitter. Criteria: Athena Diagnostics Criteria. Collection method: clinical testing. Allele origin: germline.

Literature cited by the submitters: PubMed 17932099 (cited by Labcorp Genetics (formerly Invitae), Labcorp); PubMed 22094069 (cited by Labcorp Genetics (formerly Invitae), Labcorp); PubMed 23739125 (cited by Labcorp Genetics (formerly Invitae), Labcorp).